The following is an entry in ClinVar:

NM_182914.3(SYNE2):c.690G>C (p.Met230Ile)

Gene: SYNE2 (spectrin repeat containing nuclear envelope protein 2; plus strand). Cytogenetic location: 14q23.2.
Variant type: single nucleotide variant.
Coding change: c.690G>C on transcript NM_182914.3 (MANE Select); coding-DNA position 690, G replaced by C.
Protein change: p.Met230Ile; replaces methionine 230 with isoleucine.
Molecular consequence: missense variant.
Genome position (GRCh38, 1-based): chr14:63,954,818, G>C. VCF-style: chr14-63954818-G-C. GRCh37 (hg19) VCF-style: chr14-64421536-G-C.
Other names: c.690G>C, p.Met230Ile (NM_015180.6); c.690G>C (NM_182914.2); short protein forms M230I.
Identifiers: ClinVar variation 1017587 (VCV001017587.11), dbSNP rs2096220312, ClinGen allele CA389942478.

ClinVar aggregate classification (germline): Uncertain significance. Review status: criteria provided, multiple submitters, no conflicts (2 of 4 stars). 2 submissions from 2 submitters: Uncertain significance (2). Last evaluated 2020-02-27.

Conditions:
Emery-Dreifuss muscular dystrophy 5, autosomal dominant (EDMD5). Also called: EMERY-DREIFUSS MUSCULAR DYSTROPHY 5. Identifiers: Orphanet 261, MedGen C2751805, MONDO:0013072, OMIM 612999.

Allele frequency attached by ClinVar (database versions not stated): gnomAD exomes below 0.00001.
gnomAD v4.1: 1 of 1,614,058 alleles (0.000062%); highest among the groups gnomAD compares: Non-Finnish European, 0.000085%; no homozygotes.

Submissions (2):

Labcorp Genetics (formerly Invitae), Labcorp
Classification: Uncertain significance for Emery-Dreifuss muscular dystrophy 5, autosomal dominant. Last evaluated: 2020-02-27. Review status: criteria provided, single submitter. Criteria: Invitae Variant Classification Sherloc (09022015). Collection method: clinical testing. Allele origin: germline.
Comment: In summary, the available evidence is currently insufficient to determine the role of this variant in disease. Therefore, it has been classified as a Variant of Uncertain Significance. Algorithms developed to predict the effect of missense changes on protein structure and function are either unavailable or do not agree on the potential impact of this missense change (SIFT: "Tolerated"; PolyPhen-2: "Benign"; Align-GVGD: "Class C0"). This variant has not been reported in the literature in individuals with SYNE2-related conditions. This variant is not present in population databases (ExAC no frequency). This sequence change replaces methionine with isoleucine at codon 230 of the SYNE2 protein (p.Met230Ile). The methionine residue is moderately conserved and there is a small physicochemical difference between methionine and isoleucine.

Revvity Omics, Revvity
Classification: Uncertain significance for Emery-Dreifuss muscular dystrophy 5, autosomal dominant. Last evaluated: 2019-06-12. Review status: criteria provided, single submitter. Criteria: ACMG Guidelines, 2015. Collection method: clinical testing. Allele origin: germline.